The following is an entry in ClinVar:

ClinVar aggregate classification (germline): Likely benign. Review status: criteria provided, multiple submitters, no conflicts (2 of 4 stars). 3 submissions from 3 submitters: Likely benign (2). 1 of the submissions does not count toward it. Last evaluated 2025-07-28.

Conditions:
PDE6C-related disorder. Also called: PDE6C-related condition.

Allele frequency attached by ClinVar (database versions not stated): TOPMed 0.00040; gnomAD 0.00042 and 0.00044; 1000 Genomes Project 30x 0.00047; 1000 Genomes Project 0.00060.
gnomAD v4.1: 133 of 1,610,724 alleles (0.0083%); highest among the groups gnomAD compares: African/African-American, 0.13%; 1 homozygote.

Submissions (3):

Labcorp Genetics (formerly Invitae), Labcorp
Classification: Likely benign. Last evaluated: 2025-07-28. Review status: criteria provided, single submitter. Criteria: Invitae Variant Classification Sherloc (09022015). Collection method: clinical testing. Allele origin: germline.

Blueprint Genetics
Classification: Likely benign. Last evaluated: 2024-06-19. Review status: criteria provided, single submitter. Criteria: ACMG Guidelines, 2015. Collection method: clinical testing. Allele origin: germline.

PreventionGenetics, part of Exact Sciences
Classification: Likely benign for PDE6C-related condition. Last evaluated: 2019-07-30. Review status: no assertion criteria provided. Collection method: clinical testing. Allele origin: germline. Not counted in ClinVar's aggregate classification.
Comment: This variant is classified as likely benign based on ACMG/AMP sequence variant interpretation guidelines (Richards et al. 2015 PMID: 25741868, with internal and published modifications).

NM_006204.4(PDE6C):c.2160G>A (p.Thr720=)

Gene: PDE6C (phosphodiesterase 6C; plus strand). Cytogenetic location: 10q23.33.
Variant type: single nucleotide variant.
Coding change: c.2160G>A on transcript NM_006204.4 (MANE Select); coding-DNA position 2160, G replaced by A.
Protein change: p.Thr720=; no amino-acid change (threonine 720 retained).
Molecular consequence: synonymous variant.
Genome position (GRCh38, 1-based): chr10:93,659,119, G>A. VCF-style: chr10-93659119-G-A. GRCh37 (hg19) VCF-style: chr10-95418876-G-A.
Other names: c.2160G>A (NM_006204.3).
Identifiers: ClinVar variation 1117122 (VCV001117122.12), dbSNP rs150319906, ClinGen allele CA5610429.